The following is an entry in ClinVar:

ClinVar aggregate classification (germline): Benign/Likely benign. Review status: criteria provided, multiple submitters, no conflicts (2 of 4 stars). 8 submissions from 8 submitters: Benign (7); Likely benign (1). Last evaluated 2026-02-03.

Conditions:
Congenital sideroblastic anemia-B-cell immunodeficiency-periodic fever-developmental delay syndrome. Also called: Sideroblastic anemia with B-cell immunodeficiency, periodic fevers, and developmental delay. Identifiers: Orphanet 369861, MedGen C4015172, MONDO:0014487, OMIM 616084.

Allele frequency attached by ClinVar (database versions not stated): gnomAD exomes 0.01216 and 0.01254; ExAC 0.01370; gnomAD 0.03106 and 0.03301; TOPMed 0.03498; ESP Exome Variant Server 0.03552; 1000 Genomes Project 0.03594; 1000 Genomes Project 30x 0.03763.
gnomAD v4.1: 22,636 of 1,613,990 alleles (1.4%); highest among the groups gnomAD compares: African/African-American, 8.6%; 410 homozygotes.

Submissions (8):

Labcorp Genetics (formerly Invitae), Labcorp
Classification: Benign for Congenital sideroblastic anemia-B-cell immunodeficiency-periodic fever-developmental delay syndrome. Last evaluated: 2026-02-03. Review status: criteria provided, single submitter. Criteria: Invitae Variant Classification Sherloc (09022015). Collection method: clinical testing. Allele origin: germline.

Women's Health and Genetics/Laboratory Corporation of America, LabCorp
Classification: Benign. Last evaluated: 2026-01-22. Review status: criteria provided, single submitter. Criteria: LabCorp Variant Classification Summary - May 2015. Collection method: clinical testing. Allele origin: germline.

Blueprint Genetics
Classification: Likely benign. Last evaluated: 2024-11-26. Review status: criteria provided, single submitter. Criteria: ACMG Guidelines, 2015. Collection method: clinical testing. Allele origin: germline.

ARUP Laboratories, Molecular Genetics and Genomics, ARUP Laboratories
Classification: Benign. Last evaluated: 2023-10-17. Review status: criteria provided, single submitter. Criteria: ARUP Molecular Germline Variant Investigation Process 2024. Collection method: clinical testing. Allele origin: germline.

Mayo Clinic Laboratories, Mayo Clinic
Classification: Benign. Last evaluated: 2023-09-10. Review status: criteria provided, single submitter. Criteria: ACMG Guidelines, 2015. Collection method: clinical testing. Allele origin: germline. Observed: 27 variant alleles.

Laboratory for Molecular Medicine, Mass General Brigham Personalized Medicine
Classification: Benign. Last evaluated: 2016-03-29. Review status: criteria provided, single submitter. Criteria: LMM Criteria. Collection method: clinical testing. Allele origin: germline.
Comment: Variant identified in a genome or exome case(s) and assessed due to predicted null impact of the variant or pathogenic assertions in the literature or databases. Disclaimer: This variant has not undergone full assessment. The following are preliminary notes: Frequency

GeneDx
Classification: Benign. Last evaluated: 2015-12-22. Review status: criteria provided, single submitter. Criteria: GeneDx Variant Classification (06012015). Collection method: clinical testing. Allele origin: germline. Affected: yes.
Comment: This variant is considered likely benign or benign based on one or more of the following criteria: it is a conservative change, it occurs at a poorly conserved position in the protein, it is predicted to be benign by multiple in silico algorithms, and/or has population frequency not consistent with disease.

Breakthrough Genomics
Classification: Benign. Review status: criteria provided, single submitter. Criteria: ACMG Guidelines, 2015. Collection method: not provided. Allele origin: germline. Inheritance: Autosomal recessive inheritance. Affected: yes.

NM_182916.3(TRNT1):c.133C>T (p.Leu45=)

Gene: TRNT1 (tRNA nucleotidyl transferase 1; plus strand). Cytogenetic location: 3p26.2.
Variant type: single nucleotide variant.
Coding change: c.133C>T on transcript NM_182916.3 (MANE Select); coding-DNA position 133, C replaced by T.
Protein change: p.Leu45=; no amino-acid change (leucine 45 retained).
Molecular consequence: synonymous variant. On other transcripts: non-coding transcript variant (11).
Genome position (GRCh38, 1-based): chr3:3,129,173, C>T. VCF-style: chr3-3129173-C-T. GRCh37 (hg19) VCF-style: chr3-3170857-C-T.
Other names: p.Leu45=; c.133C>T, p.Leu45= (NM_001302946.2, NM_001367321.1, NM_001367322.1 and 1 more transcripts).
Identifiers: ClinVar variation 380598 (VCV000380598.27), dbSNP rs75033443, ClinGen allele CA2228523.
Genomic context (GRCh38, chr3:3,129,173, plus strand): 5'-CAGTATCTATTCACAATGAAGTTGCAGTCTCCCGAATTCCAGTCACTTTTCACAGAAGGA[C>T]TGAAGAGTCTGACAGGTGAGAGATTAGGATACCTTTTCTTGATTGGAAACCTATATAAAT-3'
Protein context (NP_886552.3, residues 35-55): PEFQSLFTEG[Leu45=]KSLTELFVKE